The following is an entry in ClinVar:

ClinVar aggregate classification (germline): Uncertain significance (1 of 4 stars; one submission).

Conditions:
Hyperekplexia 3 (HKPX3). Also called: HYPEREKPLEXIA 3, AUTOSOMAL RECESSIVE; HYPEREKPLEXIA 3, AUTOSOMAL DOMINANT. Identifiers: Orphanet 3197, MedGen C3553288, MONDO:0013827, OMIM 614618.

Allele frequency attached by ClinVar (database versions not stated): TOPMed below 0.00001; ExAC 0.00001; gnomAD 0.00001; gnomAD exomes 0.00002.
gnomAD v4.1: 31 of 1,609,770 alleles (0.0019%); highest among the groups gnomAD compares: Non-Finnish European, 0.0026%; no homozygotes.

Submission:

Labcorp Genetics (formerly Invitae), Labcorp
Classification: Uncertain significance for Hyperekplexia 3. Last evaluated: 2022-04-11. Review status: criteria provided, single submitter. Criteria: Invitae Variant Classification Sherloc (09022015). Collection method: clinical testing. Allele origin: germline.
Comment: In summary, the available evidence is currently insufficient to determine the role of this variant in disease. Therefore, it has been classified as a Variant of Uncertain Significance. Advanced modeling of protein sequence and biophysical properties (such as structural, functional, and spatial information, amino acid conservation, physicochemical variation, residue mobility, and thermodynamic stability) performed at Invitae indicates that this missense variant is not expected to disrupt SLC6A5 protein function. This variant has not been reported in the literature in individuals affected with SLC6A5-related conditions. This variant is present in population databases (rs752743905, gnomAD 0.003%). This sequence change replaces serine, which is neutral and polar, with asparagine, which is neutral and polar, at codon 111 of the SLC6A5 protein (p.Ser111Asn).

NM_004211.5(SLC6A5):c.332G>A (p.Ser111Asn)

Gene: SLC6A5 (solute carrier family 6 member 5; plus strand). Cytogenetic location: 11p15.1.
Variant type: single nucleotide variant.
Coding change: c.332G>A on transcript NM_004211.5 (MANE Select); coding-DNA position 332, G replaced by A.
Protein change: p.Ser111Asn; replaces serine 111 with asparagine.
Molecular consequence: missense variant. On other transcripts: 5 prime UTR variant (1).
Genome position (GRCh38, 1-based): chr11:20,601,457, G>A. VCF-style: chr11-20601457-G-A. GRCh37 (hg19) VCF-style: chr11-20623003-G-A.
Other names: c.-232G>A (NM_001318369.2); short protein forms S111N.
Identifiers: ClinVar variation 2046360 (VCV002046360.3), dbSNP rs752743905, ClinGen allele CA5921042.